The following is an entry in ClinVar:

ClinVar aggregate classification (germline): Benign. Review status: criteria provided, multiple submitters, no conflicts (2 of 4 stars). 5 submissions from 5 submitters: Benign (5). Last evaluated 2026-02-01.

Conditions:
Autosomal dominant cerebellar ataxia. Also called: Spinocerebellar Ataxia, Dominant. Identifiers: Orphanet 99, MedGen C4087347, MONDO:0020380.

Allele frequency attached by ClinVar (database versions not stated): gnomAD exomes 0.00276; ExAC 0.00345; gnomAD 0.00753 and 0.00811; ESP Exome Variant Server 0.00810; TOPMed 0.00875; 1000 Genomes Project 0.00899; 1000 Genomes Project 30x 0.00984.
gnomAD v4.1: 2,555 of 1,504,702 alleles (0.17%); highest among the groups gnomAD compares: African/African-American, 2.5%; 41 homozygotes.

Submissions (5):

Labcorp Genetics (formerly Invitae), Labcorp
Classification: Benign. Last evaluated: 2026-02-01. Review status: criteria provided, single submitter. Criteria: Invitae Variant Classification Sherloc (09022015). Collection method: clinical testing. Allele origin: germline.

Athena Diagnostics
Classification: Benign. Last evaluated: 2024-01-23. Review status: criteria provided, single submitter. Criteria: Athena Diagnostics Criteria. Collection method: clinical testing. Allele origin: unknown.

Mayo Clinic Laboratories, Mayo Clinic
Classification: Benign. Last evaluated: 2023-12-29. Review status: criteria provided, single submitter. Criteria: ACMG Guidelines, 2015. Collection method: clinical testing. Allele origin: germline. Observed: 4 variant alleles.
Comment: BA1, BP4, BP7

Illumina Laboratory Services, Illumina
Classification: Benign for Spinocerebellar Ataxia, Dominant. Last evaluated: 2018-01-13. Review status: criteria provided, single submitter. Criteria: ICSL Variant Classification Criteria 13 December 2019. Collection method: clinical testing. Allele origin: germline.
Comment: This variant was observed in the ICSL laboratory as part of a predisposition screen in an ostensibly healthy population. It had not been previously curated by ICSL or reported in the Human Gene Mutation Database (HGMD: prior to June 1st, 2018), and was therefore a candidate for classification through an automated scoring system. Utilizing variant allele frequency, disease prevalence and penetrance estimates, and inheritance mode, an automated score was calculated to assess if this variant is too frequent to cause the disease. Based on the score and internal cut-off values, a variant classified as benign is not then subjected to further curation. The score for this variant resulted in a classification of benign for this disease.

Breakthrough Genomics
Classification: Benign. Review status: criteria provided, single submitter. Criteria: ACMG Guidelines, 2015. Collection method: not provided. Allele origin: germline. Inheritance: Autosomal dominant inheritance. Affected: yes.

NM_001378452.1(ITPR1):c.1251+10G>A

Gene: ITPR1 (inositol 1,4,5-trisphosphate receptor type 1; plus strand). Cytogenetic location: 3p26.1.
Variant type: single nucleotide variant.
Coding change: c.1251+10G>A on transcript NM_001378452.1 (MANE Select); 10 bases into the intron after coding-DNA position 1251, G replaced by A.
Molecular consequence: intron variant.
Genome position (GRCh38, 1-based): chr3:4,661,097, G>A. VCF-style: chr3-4661097-G-A. GRCh37 (hg19) VCF-style: chr3-4702781-G-A.
Other names: p.?; c.1206+10G>A (NM_002222.6, NM_001168272.2, NM_002222.7); c.1251+10G>A (NM_001099952.4).
Identifiers: ClinVar variation 345612 (VCV000345612.17), dbSNP rs75936691, ClinGen allele CA2231129.